The following is an entry in ClinVar:

NM_000718.4(CACNA1B):c.6881C>G (p.Thr2294Ser)

Gene: CACNA1B (calcium voltage-gated channel subunit alpha1 B; plus strand). Cytogenetic location: 9q34.3.
Variant type: single nucleotide variant.
Coding change: c.6881C>G on transcript NM_000718.4 (MANE Select); coding-DNA position 6881, C replaced by G.
Protein change: p.Thr2294Ser; replaces threonine 2294 with serine.
Molecular consequence: missense variant.
Genome position (GRCh38, 1-based): chr9:138,121,860, C>G. VCF-style: chr9-138121860-C-G. GRCh37 (hg19) VCF-style: chr9-141016312-C-G.
Other names: c.6694C>G, p.Leu2232Val (NM_001243812.2); short protein forms L2232V, T2294S.
Identifiers: ClinVar variation 1912496 (VCV001912496.2), dbSNP rs747181622, ClinGen allele CA5377827.

ClinVar aggregate classification (germline): Uncertain significance (1 of 4 stars; one submission).

Allele frequency attached by ClinVar (database versions not stated): gnomAD 0.00001; gnomAD exomes 0.00001.
gnomAD v4.1: 10 of 1,613,398 alleles (0.00062%); highest among the groups gnomAD compares: East Asian, 0.013%; no homozygotes.

Submission:

Labcorp Genetics (formerly Invitae), Labcorp
Classification: Uncertain significance. Last evaluated: 2022-07-23. Review status: criteria provided, single submitter. Criteria: Invitae Variant Classification Sherloc (09022015). Collection method: clinical testing. Allele origin: germline.
Comment: This sequence change replaces threonine, which is neutral and polar, with serine, which is neutral and polar, at codon 2294 of the CACNA1B protein (p.Thr2294Ser). This variant is present in population databases (rs747181622, gnomAD 0.02%). This variant has not been reported in the literature in individuals affected with CACNA1B-related conditions. Advanced modeling of protein sequence and biophysical properties (such as structural, functional, and spatial information, amino acid conservation, physicochemical variation, residue mobility, and thermodynamic stability) performed at Invitae indicates that this missense variant is not expected to disrupt CACNA1B protein function. In summary, the available evidence is currently insufficient to determine the role of this variant in disease. Therefore, it has been classified as a Variant of Uncertain Significance.